The following is an entry in ClinVar:

NM_005228.5(EGFR):c.2470-1G>C

Gene: EGFR (epidermal growth factor receptor; plus strand). Cytogenetic location: 7p11.2.
Variant type: single nucleotide variant.
Coding change: c.2470-1G>C on transcript NM_005228.5 (MANE Select); the canonical splice acceptor site of the intron before coding-DNA position 2470, G replaced by C.
Molecular consequence: splice acceptor variant.
Genome position (GRCh38, 1-based): chr7:55,191,718, G>C. VCF-style: chr7-55191718-G-C. GRCh37 (hg19) VCF-style: chr7-55259411-G-C.
Other names: c.2335-1G>C (NM_001346899.2, NM_001346897.2); c.1669-1G>C (NM_001346941.2); c.2470-1G>C (NM_001346898.2); c.2311-1G>C (NM_001346900.2).
Identifiers: ClinVar variation 3843847 (VCV003843847.1).

ClinVar aggregate classification (germline): Uncertain significance (1 of 4 stars; one submission).

Conditions:
Hereditary cancer-predisposing syndrome. Also called: Hereditary neoplastic syndrome; Neoplastic Syndromes, Hereditary; Tumor predisposition; Hereditary Cancer Syndrome. Identifiers: Orphanet 140162, MedGen C0027672, MeSH D009386, MONDO:0015356.

Submission:

Ambry Genetics
Classification: Uncertain significance for Hereditary cancer-predisposing syndrome. Last evaluated: 2025-03-12. Review status: criteria provided, single submitter. Criteria: Ambry Variant Classification Scheme 2023. Collection method: clinical testing. Allele origin: germline.
Comment: The c.2470-1G>C intronic variant results from a G to C substitution one nucleotide upstream from coding exon 21 of the EGFR gene. Alterations that disrupt the canonical splice site are expected to result in aberrant splicing. In silico splice site analysis predicts that this alteration will weaken the native splice acceptor site and may result in the creation or strengthening of a novel splice acceptor site. The resulting transcript is predicted to be in-frame and is not expected to trigger nonsense-mediated mRNA decay; although, direct evidence is unavailable. This nucleotide position is highly conserved in available vertebrate species. Based on the available evidence, the clinical significance of this variant remains unclear.